The following is an entry in ClinVar:

NM_001244710.2(GFPT1):c.1705A>C (p.Thr569Pro)

Gene: GFPT1 (glutamine--fructose-6-phosphate transaminase 1; minus strand). Cytogenetic location: 2p13.3.
Variant type: single nucleotide variant.
Coding change: c.1705A>C on transcript NM_001244710.2 (MANE Select); coding-DNA position 1705, A replaced by C.
Protein change: p.Thr569Pro; replaces threonine 569 with proline.
Molecular consequence: missense variant.
Genome position (GRCh38, 1-based): chr2:69,329,317, T>G on the plus strand (A>C on the coding strand, the complement: GFPT1 is on the minus strand). VCF-style: chr2-69329317-T-G. GRCh37 (hg19) VCF-style: chr2-69556449-T-G.
Other names: c.1651A>C, p.Thr551Pro (NM_002056.4); short protein forms T569P, T551P.
Identifiers: ClinVar variation 2084899 (VCV002084899.4), dbSNP rs2466020720, ClinGen allele CA347422522.

ClinVar aggregate classification (germline): Uncertain significance (1 of 4 stars; one submission).

Conditions:
Congenital myasthenic syndrome 12 (CMS12). Also called: MYASTHENIC SYNDROME, CONGENITAL, WITH TUBULAR AGGREGATES 1; Myasthenia, congenital, 12, with tubular aggregates. Identifiers: Orphanet 353327, Orphanet 590, MedGen C3552335, MONDO:0012518, OMIM 610542.

Submission:

Labcorp Genetics (formerly Invitae), Labcorp
Classification: Uncertain significance for Congenital myasthenic syndrome 12. Last evaluated: 2022-01-27. Review status: criteria provided, single submitter. Criteria: Invitae Variant Classification Sherloc (09022015). Collection method: clinical testing. Allele origin: germline.
Comment: In summary, the available evidence is currently insufficient to determine the role of this variant in disease. Therefore, it has been classified as a Variant of Uncertain Significance. This sequence change replaces threonine, which is neutral and polar, with proline, which is neutral and non-polar, at codon 569 of the GFPT1 protein (p.Thr569Pro). This variant is not present in population databases (gnomAD no frequency). This variant has not been reported in the literature in individuals affected with GFPT1-related conditions. Algorithms developed to predict the effect of missense changes on protein structure and function are either unavailable or do not agree on the potential impact of this missense change (SIFT: "Deleterious"; PolyPhen-2: "Probably Damaging"; Align-GVGD: "Class C0").